The following is an entry in ClinVar:

ClinVar aggregate classification (germline): Benign. Review status: criteria provided, multiple submitters, no conflicts (2 of 4 stars). 3 submissions from 3 submitters: Benign (2). 1 of the submissions does not count toward it. Last evaluated 2019-12-31.

Conditions:
WDR81-related disorder. Also called: WDR81-related condition.

Allele frequency attached by ClinVar (database versions not stated): gnomAD exomes 0.00073 and 0.00192; ExAC 0.00237; gnomAD 0.00672 and 0.00715; ESP Exome Variant Server 0.00708; TOPMed 0.00791; 1000 Genomes Project 30x 0.01156; 1000 Genomes Project 0.01158.
gnomAD v4.1: 2,132 of 1,610,956 alleles (0.13%); highest among the groups gnomAD compares: African/African-American, 2.3%; 24 homozygotes.

Submissions (3):

Labcorp Genetics (formerly Invitae), Labcorp
Classification: Benign. Last evaluated: 2019-12-31. Review status: criteria provided, single submitter. Criteria: Invitae Variant Classification Sherloc (09022015). Collection method: clinical testing. Allele origin: germline.

Breakthrough Genomics
Classification: Benign. Review status: criteria provided, single submitter. Criteria: ACMG Guidelines, 2015. Collection method: not provided. Allele origin: germline. Inheritance: Autosomal recessive inheritance. Affected: yes.

PreventionGenetics, part of Exact Sciences
Classification: Benign for WDR81-related condition. Last evaluated: 2019-05-03. Review status: no assertion criteria provided. Collection method: clinical testing. Allele origin: germline. Not counted in ClinVar's aggregate classification.
Comment: This variant is classified as benign based on ACMG/AMP sequence variant interpretation guidelines (Richards et al. 2015 PMID: 25741868, with internal and published modifications).

NM_001163809.2(WDR81):c.5802C>T (p.Asn1934=)

Gene: WDR81 (WD repeat domain 81; plus strand). Cytogenetic location: 17p13.3.
Variant type: single nucleotide variant.
Coding change: c.5802C>T on transcript NM_001163809.2 (MANE Select); coding-DNA position 5802, C replaced by T.
Protein change: p.Asn1934=; no amino-acid change (asparagine 1934 retained).
Molecular consequence: synonymous variant.
Genome position (GRCh38, 1-based): chr17:1,737,661, C>T. VCF-style: chr17-1737661-C-T. GRCh37 (hg19) VCF-style: chr17-1640955-C-T.
Other names: c.2193C>T, p.Asn731= (NM_001163673.2); c.2121C>T, p.Asn707= (NM_001163811.2); c.2649C>T, p.Asn883= (NM_152348.4).
Identifiers: ClinVar variation 713795 (VCV000713795.7), dbSNP rs140678734, ClinGen allele CA8273977.
Genomic context (GRCh38, chr17:1,737,661, plus strand): 5'-CACGCTCACCAGCCTGGCCTTGCTGCCCACTAAACGCCACCTCCTGCTGGGCTCAGACAA[C>T]GGGGTTATCCGCCTCCTGGCATAGACTGAGGCAGGAGCTGGCCGGGCAAGGGTGGGAAGA-3'
Protein context (NP_001157281.1, residues 1924-1941): TKRHLLLGSD[Asn1934=]GVIRLLA